The following is an entry in ClinVar:

ClinVar aggregate classification (germline): Uncertain significance. Review status: criteria provided, multiple submitters, no conflicts (2 of 4 stars). 3 submissions from 3 submitters: Uncertain significance (3). Last evaluated 2025-05-16.

Conditions:
Microcephaly, normal intelligence and immunodeficiency (NBS). Also called: IMMUNODEFICIENCY, MICROCEPHALY, AND CHROMOSOMAL INSTABILITY; SEEMANOVA SYNDROME II; Immunodeficiency, microcephaly with normal intelligence; Ataxia telangiectasia variant V1; Nijmegen breakage syndrome; Microcephaly with normal intelligence immunodeficiency and lymphoreticular malignancies. Identifiers: Orphanet 647, MedGen C0398791, MONDO:0009623, OMIM 251260.
Hereditary cancer-predisposing syndrome. Also called: Hereditary neoplastic syndrome; Neoplastic Syndromes, Hereditary; Tumor predisposition; Hereditary Cancer Syndrome. Identifiers: Orphanet 140162, MedGen C0027672, MeSH D009386, MONDO:0015356.

Submissions (3):

Ambry Genetics
Classification: Uncertain significance for Hereditary cancer-predisposing syndrome. Last evaluated: 2025-05-16. Review status: criteria provided, single submitter. Criteria: Ambry Variant Classification Scheme 2023. Collection method: clinical testing. Allele origin: germline.
Comment: The p.V157I variant (also known as c.469G>A), located in coding exon 4 of the NBN gene, results from a G to A substitution at nucleotide position 469. The valine at codon 157 is replaced by isoleucine, an amino acid with highly similar properties. This amino acid position is conserved. In addition, this alteration is predicted to be tolerated by in silico analysis. Based on the available evidence, the clinical significance of this variant remains unclear.

Sema4
Classification: Uncertain significance for Hereditary cancer-predisposing syndrome. Last evaluated: 2021-09-20. Review status: criteria provided, single submitter. Criteria: Sema4 Curation Guidelines. Collection method: curation. Allele origin: germline.
Comment: The NBN c.469G>A (p.V157I) variant has not been reported in the literature to our knowledge. It was not observed in the large and broad cohorts of the Genome Aggregation Database (PMID: 32461654), but has been reported in ClinVar (Variation ID: 411784). Functional studies have not been performed, and in silico predictions of the variant's effect on protein function are inconclusive. The evidence is insufficient to meet ACMG/AMP criteria for classifying the variant as benign or pathogenic. Thus, the clinical significance of this variant is currently uncertain.

Labcorp Genetics (formerly Invitae), Labcorp
Classification: Uncertain significance for Microcephaly, normal intelligence and immunodeficiency. Last evaluated: 2021-08-26. Review status: criteria provided, single submitter. Criteria: Invitae Variant Classification Sherloc (09022015). Collection method: clinical testing. Allele origin: germline.
Comment: This sequence change replaces valine with isoleucine at codon 157 of the NBN protein (p.Val157Ile). The valine residue is highly conserved and there is a small physicochemical difference between valine and isoleucine. This variant is not present in population databases (ExAC no frequency). This variant has not been reported in the literature in individuals affected with NBN-related conditions. Algorithms developed to predict the effect of missense changes on protein structure and function are either unavailable or do not agree on the potential impact of this missense change (SIFT: "Deleterious"; PolyPhen-2: "Possibly Damaging"; Align-GVGD: "Class C0"). In summary, the available evidence is currently insufficient to determine the role of this variant in disease. Therefore, it has been classified as a Variant of Uncertain Significance.

NM_002485.5(NBN):c.469G>A (p.Val157Ile)

Gene: NBN (nibrin; minus strand). Cytogenetic location: 8q21.3.
Variant type: single nucleotide variant.
Coding change: c.469G>A on transcript NM_002485.5 (MANE Select); coding-DNA position 469, G replaced by A.
Protein change: p.Val157Ile; replaces valine 157 with isoleucine.
Molecular consequence: missense variant.
Genome position (GRCh38, 1-based): chr8:89,980,745, C>T on the plus strand (G>A on the coding strand, the complement: NBN is on the minus strand). VCF-style: chr8-89980745-C-T. GRCh37 (hg19) VCF-style: chr8-90992973-C-T.
Other names: c.223G>A, p.Val75Ile (NM_001024688.3); short protein forms V157I, V75I.
Identifiers: ClinVar variation 411784 (VCV000411784.4), dbSNP rs1060503486, ClinGen allele CA16612551.